The following is an entry in ClinVar:

NM_001190737.2(NFIB):c.1385-1440A>C

Gene: NFIB (nuclear factor I B; minus strand). Cytogenetic location: 9p23.
Variant type: single nucleotide variant.
Coding change: c.1385-1440A>C on transcript NM_001190737.2 (MANE Select); 1440 bases into the intron before coding-DNA position 1385, A replaced by C.
Molecular consequence: intron variant.
Genome position (GRCh38, 1-based): chr9:14,114,521, T>G on the plus strand (A>C on the coding strand, the complement: NFIB is on the minus strand). VCF-style: chr9-14114521-T-G. GRCh37 (hg19) VCF-style: chr9-14114520-T-G.
Other names: c.1311+5919A>C (NM_001369468.1, NM_001369462.1); c.1451-1440A>C (NM_001369459.1); c.1478-1440A>C (NM_001369458.1); c.1323+5919A>C (NM_001190738.2); c.1008+5919A>C (NM_001369478.1); c.1175-1440A>C (NM_001369470.1); c.1230+5919A>C (NM_001369473.1); c.1233+5919A>C (NM_001369472.1, NM_001369466.1); and 14 more.
Identifiers: ClinVar variation 4854782 (VCV004854782.1).

ClinVar aggregate classification (germline): Uncertain significance (1 of 4 stars; one submission).

Conditions:
Macrocephaly, acquired, with impaired intellectual development. Also called: MACROCEPHALY, ACQUIRED, WITH MENTAL RETARDATION. Identifiers: MedGen C4748993, MONDO:0032658, OMIM 618286.

Submission:

3billion
Classification: Uncertain significance for Macrocephaly, acquired, with impaired intellectual development. Last evaluated: 2025-12-30. Review status: criteria provided, single submitter. Criteria: ACMG Guidelines, 2015. Collection method: clinical testing. Allele origin: germline. Affected: yes.
Comment: The variant is not observed in the gnomAD v4.1.0 dataset. Predicted Consequence/Location: Intron variant In silico tools predict the variant to alter splicing and produce an abnormal transcript [SpliceAI: 0.27 (>=0.2, moderate evidence for spliceogenicity)]. Therefore, this variant is classified as VUS according to the recommendation of ACMG/AMP guideline.